The following is an entry in ClinVar:

NM_005506.4(SCARB2):c.953G>T (p.Cys318Phe)

Gene: SCARB2 (scavenger receptor class B member 2; minus strand). Cytogenetic location: 4q21.1.
Variant type: single nucleotide variant.
Coding change: c.953G>T on transcript NM_005506.4 (MANE Select); coding-DNA position 953, G replaced by T.
Protein change: p.Cys318Phe; replaces cysteine 318 with phenylalanine.
Molecular consequence: missense variant.
Genome position (GRCh38, 1-based): chr4:76,174,185, C>A on the plus strand (G>T on the coding strand, the complement: SCARB2 is on the minus strand). VCF-style: chr4-76174185-C-A. GRCh37 (hg19) VCF-style: chr4-77095338-C-A.
Other names: c.524G>T, p.Cys175Phe (NM_001204255.2); short protein forms C175F, C318F.
Identifiers: ClinVar variation 851477 (VCV000851477.8), dbSNP rs148780369, ClinGen allele CA2970217.

ClinVar aggregate classification (germline): Uncertain significance (1 of 4 stars; one submission).

Conditions:
Progressive myoclonic epilepsy. Also called: Familial progressive myoclonic epilepsy; Myoclonus epilepsy; Progressive myoclonus epilepsy; Myoclonic Epilepsies, Progressive. Identifiers: Orphanet 308, Orphanet 98261, MedGen C0751778, MONDO:0020074.

Allele frequency attached by ClinVar (database versions not stated): gnomAD 0.00001; TOPMed 0.00001; ExAC 0.00002; gnomAD exomes 0.00003; ESP Exome Variant Server 0.00008.
gnomAD v4.1: 39 of 1,614,042 alleles (0.0024%); highest among the groups gnomAD compares: Non-Finnish European, 0.0031%; no homozygotes.

Submission:

Labcorp Genetics (formerly Invitae), Labcorp
Classification: Uncertain significance for Progressive myoclonic epilepsy. Last evaluated: 2024-11-05. Review status: criteria provided, single submitter. Criteria: Invitae Variant Classification Sherloc (09022015). Collection method: clinical testing. Allele origin: germline.
Comment: This sequence change replaces cysteine, which is neutral and slightly polar, with phenylalanine, which is neutral and non-polar, at codon 318 of the SCARB2 protein (p.Cys318Phe). The frequency data for this variant in the population databases is considered unreliable, as metrics indicate poor data quality at this position in the gnomAD database. This variant has not been reported in the literature in individuals affected with SCARB2-related conditions. ClinVar contains an entry for this variant (Variation ID: 851477). Invitae Evidence Modeling of protein sequence and biophysical properties (such as structural, functional, and spatial information, amino acid conservation, physicochemical variation, residue mobility, and thermodynamic stability) indicates that this missense variant is expected to disrupt SCARB2 protein function with a positive predictive value of 80%. In summary, the available evidence is currently insufficient to determine the role of this variant in disease. Therefore, it has been classified as a Variant of Uncertain Significance.